The following is an entry in ClinVar:

ClinVar aggregate classification (germline): Likely pathogenic (1 of 4 stars; one submission).

Conditions:
Intellectual disability. Also called: Intellectual functioning disability; intellectual disabilities; Intellectual developmental disorder. Identifiers: MedGen C3714756, MeSH D008607, MONDO:0001071, HP:0001249.

Submission:

Genetics Laboratory, UDIAT-Centre Diagnòstic, Hospital Universitari Parc Tauli
Classification: Likely pathogenic for intellectual disability. Last evaluated: 2023-07-31. Review status: criteria provided, single submitter. Criteria: ACMG Guidelines, 2015. Collection method: clinical testing. Allele origin: unknown. Inheritance: Autosomal dominant inheritance. Affected: yes.
Comment: PVS1_very strong;PM2_supporting

NM_031370.3(HNRNPD):c.257_258dup (p.Ser87fs)

Gene: HNRNPD (heterogeneous nuclear ribonucleoprotein D; minus strand). Cytogenetic location: 4q21.22.
Variant type: Microsatellite.
Coding change: c.257_258dup on transcript NM_031370.3 (MANE Select); coding-DNA positions 257 to 258, 2 bases duplicated (AC; older notation c.257_258dupAC).
Protein change: p.Ser87fs; shifts the reading frame from serine 87.
Molecular consequence: frameshift variant. On other transcripts: intron variant (2).
Genome position (GRCh38, 1-based): chr4:82,371,560-82,371,561, GT duplicated on the plus strand (AC on the coding strand, the reverse complement: HNRNPD is on the minus strand); duplicating any 2 consecutive bases within chr4:82,371,560-82,371,563 gives the same sequence; the c. name uses the placement nearest the transcript's 3' end. VCF-style (leftmost placement, unchanged base first): chr4-82371559-A-AGT. GRCh37 (hg19) VCF-style: chr4-83292712-A-AGT.
Other names: c.257_258dup, p.Ser87fs (NM_002138.4); c.233+1883AC[3] (NM_001003810.2, NM_031369.3); short protein forms S87fs.
Identifiers: ClinVar variation 3897622 (VCV003897622.1).